The following is an entry in ClinVar:

NM_014875.3(KIF14):c.4506_4515delinsTTTAACCA (p.Glu1502fs)

Gene: KIF14 (kinesin family member 14; minus strand). Cytogenetic location: 1q32.1.
Variant type: Indel.
Coding change: c.4506_4515delinsTTTAACCA on transcript NM_014875.3 (MANE Select); coding-DNA positions 4506 to 4515, ATTCTTAAAG replaced by TTTAACCA.
Protein change: p.Glu1502fs; shifts the reading frame from glutamic acid 1502.
Molecular consequence: frameshift variant.
Genome position (GRCh38, 1-based): chr1:200,554,520-200,554,529, CTTTAAGAAT replaced by TGGTTAAA on the plus strand (ATTCTTAAAG replaced by TTTAACCA on the coding strand, the reverse complement: KIF14 is on the minus strand). VCF-style: chr1-200554520-CTTTAAGAAT-TGGTTAAA. GRCh37 (hg19) VCF-style: chr1-200523648-CTTTAAGAAT-TGGTTAAA.
Other names: c.3033_3042delinsTTTAACCA, p.Glu1011fs (NM_001305792.1); short protein forms E1011fs, E1502fs.
Identifiers: ClinVar variation 1700821 (VCV001700821.4), dbSNP rs2102550579, ClinGen allele CA2580061848.

ClinVar aggregate classification (germline): Uncertain significance. Review status: criteria provided, multiple submitters, no conflicts (2 of 4 stars). 2 submissions from 2 submitters: Uncertain significance (2). Last evaluated 2024-09-13.

Submissions (2):

Women's Health and Genetics/Laboratory Corporation of America, LabCorp
Classification: Uncertain significance. Last evaluated: 2024-09-13. Review status: criteria provided, single submitter. Criteria: LabCorp Variant Classification Summary - May 2015. Collection method: clinical testing. Allele origin: germline.
Comment: Variant summary: KIF14 c.4506_4515delinsTTTAACCA (p.Glu1502AspfsX13) results in a premature termination codon, predicted to cause a truncation of the encoded protein, not expected to elicit nonsense mediated decay. The variant allele was found at a frequency of 1.3e-05 in 1547746 control chromosomes, predominantly at a frequency of 0.00029 within the Latino subpopulation in the gnomAD database (v4.1 dataset). This frequency is not higher than the estimated maximum expected for a pathogenic variant in KIF14 causing Joubert Syndrome And Related Disorders (0.0004), allowing no conclusion about variant significance. To our knowledge, no occurrence of c.4506_4515delinsTTTAACCA in individuals affected with Joubert Syndrome And Related Disorders and no experimental evidence demonstrating its impact on protein function have been reported. ClinVar contains an entry for this variant (Variation ID: 1700821). Based on the evidence outlined above, the variant was classified as uncertain significance.

GeneDx
Classification: Uncertain significance. Last evaluated: 2022-02-14. Review status: criteria provided, single submitter. Criteria: GeneDx Variant Classification Process June 2021. Collection method: clinical testing. Allele origin: germline. Affected: yes.
Comment: Not observed at significant frequency in large population cohorts (gnomAD); Frameshift variant predicted to result in protein truncation as the last 147 amino acids are replaced with 12 different amino acids, although loss-of-function variants have not been reported downstream of this position in the protein; Has not been previously published as pathogenic or benign to our knowledge